The following is an entry in ClinVar:

ClinVar aggregate classification (germline): Uncertain significance (1 of 4 stars; one submission).

gnomAD v4.1: 7 of 1,547,792 alleles (0.00045%); highest among the groups gnomAD compares: Admixed American, 0.0078%; no homozygotes.

Submission:

Labcorp Genetics (formerly Invitae), Labcorp
Classification: Uncertain significance. Last evaluated: 2024-05-10. Review status: criteria provided, single submitter. Criteria: Invitae Variant Classification Sherloc (09022015). Collection method: clinical testing. Allele origin: germline.
Comment: This sequence change replaces alanine, which is neutral and non-polar, with valine, which is neutral and non-polar, at codon 4009 of the HSPG2 protein (p.Ala4009Val). This variant is not present in population databases (gnomAD no frequency). This variant has not been reported in the literature in individuals affected with HSPG2-related conditions. An algorithm developed to predict the effect of missense changes on protein structure and function (PolyPhen-2) suggests that this variant is likely to be tolerated. In summary, the available evidence is currently insufficient to determine the role of this variant in disease. Therefore, it has been classified as a Variant of Uncertain Significance.

NM_005529.7(HSPG2):c.12026C>T (p.Ala4009Val)

Gene: HSPG2 (heparan sulfate proteoglycan 2; minus strand). Cytogenetic location: 1p36.12.
Variant type: single nucleotide variant.
Coding change: c.12026C>T on transcript NM_005529.7 (MANE Select); coding-DNA position 12026, C replaced by T.
Protein change: p.Ala4009Val; replaces alanine 4009 with valine.
Molecular consequence: missense variant.
Genome position (GRCh38, 1-based): chr1:21,829,046, G>A on the plus strand (C>T on the coding strand, the complement: HSPG2 is on the minus strand). VCF-style: chr1-21829046-G-A. GRCh37 (hg19) VCF-style: chr1-22155539-G-A.
Other names: c.12029C>T, p.Ala4010Val (NM_001291860.2); short protein forms A4009V, A4010V.
Identifiers: ClinVar variation 3622975 (VCV003622975.2).
Genomic context (GRCh38, chr1:21,829,046, plus strand): 5'-ACCCGCAGGCTGCCGTCCTTGTTGAGACGCTCTGCAGACACACGGTGCCAGCGGCCCAGG[G>A]CCAGCGGCTCGGCGCTCCGCAGAACGGCCAGCCCTGGGGAGGATGCCAGGCAGGGTTGGG-3'
Protein context (NP_005520.4, residues 3999-4019): LAVLRSAEPL[Ala4009Val]LGRWHRVSAE